The following is an entry in ClinVar:

NM_001282531.3(ADNP):c.970A>G (p.Ser324Gly)

Gene: ADNP (activity dependent neuroprotector homeobox; minus strand). Cytogenetic location: 20q13.13.
Variant type: single nucleotide variant.
Coding change: c.970A>G on transcript NM_001282531.3 (MANE Select); coding-DNA position 970, A replaced by G.
Protein change: p.Ser324Gly; replaces serine 324 with glycine.
Molecular consequence: missense variant.
Genome position (GRCh38, 1-based): chr20:50,893,744, T>C on the plus strand (A>G on the coding strand, the complement: ADNP is on the minus strand). VCF-style: chr20-50893744-T-C. GRCh37 (hg19) VCF-style: chr20-49510281-T-C.
Other names: c.970A>G, p.Ser324Gly (NM_001282532.2, NM_001347511.2, NM_015339.5 and 1 more transcripts); short protein forms S324G.
Identifiers: ClinVar variation 3368964 (VCV003368964.2).

ClinVar aggregate classification (germline): Uncertain significance. Review status: criteria provided, multiple submitters, no conflicts (2 of 4 stars). 2 submissions from 2 submitters: Uncertain significance (2). Last evaluated 2025-08-13.

Conditions:
Inborn genetic diseases. Identifiers: MedGen C0950123, MeSH D030342.

Submissions (2):

Ambry Genetics
Classification: Uncertain significance for Inborn genetic diseases. Last evaluated: 2025-08-13. Review status: criteria provided, single submitter. Criteria: Ambry Variant Classification Scheme 2023. Collection method: clinical testing. Allele origin: germline.

GeneDx
Classification: Uncertain significance. Last evaluated: 2024-02-08. Review status: criteria provided, single submitter. Criteria: GeneDx Variant Classification Process June 2021. Collection method: clinical testing. Allele origin: germline. Affected: yes.
Comment: Not observed at significant frequency in large population cohorts (gnomAD); In silico analysis supports that this missense variant does not alter protein structure/function; Has not been previously published as pathogenic or benign to our knowledge